The following is an entry in ClinVar:

ClinVar aggregate classification (germline): Conflicting classifications of pathogenicity. Review status: criteria provided, conflicting classifications (1 of 4 stars). 4 submissions from 4 submitters: Uncertain significance (3); Benign (1). Last evaluated 2026-05-17.

Conditions:
Birt-Hogg-Dube syndrome 1 (BHD1). Also called: FIBROFOLLICULOMAS WITH TRICHODISCOMAS AND ACROCHORDONS. Identifiers: Orphanet 122, MedGen CN375946, MONDO:0800445, OMIM 135150.
FLCN-related disorder. Also called: FLCN-related condition.
Birt-Hogg-Dube syndrome. Also called: Birt Hogg Dubé syndrome. Identifiers: Orphanet 122, MedGen C0346010, MONDO:0800444.
Hereditary cancer-predisposing syndrome. Also called: Neoplastic Syndromes, Hereditary; Tumor predisposition; Hereditary neoplastic syndrome; Hereditary Cancer Syndrome. Identifiers: Orphanet 140162, MedGen C0027672, MeSH D009386, MONDO:0015356.

Allele frequency attached by ClinVar (database versions not stated): ExAC 0.00002; TOPMed 0.00003.
gnomAD v4.1: 6 of 1,614,218 alleles (0.00037%); highest among the groups gnomAD compares: Admixed American, 0.01%; no homozygotes.

Submissions (4):

PreventionGenetics, part of Exact Sciences
Classification: Uncertain significance for FLCN-related condition. Last evaluated: 2026-05-17. Review status: criteria provided, single submitter. Criteria: ACMG Guidelines, 2015. Collection method: clinical testing. Allele origin: germline.
Comment: The FLCN c.1487C>G variant is predicted to result in the amino acid substitution p.Ser496Cys. To our knowledge, this variant has not been reported in the literature. This variant is reported in 0.017% of alleles in individuals of Latino descent in gnomAD. This variant has conflicting interpretations in ClinVar ranging from uncertain to benign (Variation ID: 650061). At this time, the clinical significance of this variant is uncertain due to the absence of conclusive functional and genetic evidence.

Labcorp Genetics (formerly Invitae), Labcorp
Classification: Uncertain significance for Birt-Hogg-Dube syndrome. Last evaluated: 2025-12-24. Review status: criteria provided, single submitter. Criteria: Invitae Variant Classification Sherloc (09022015). Collection method: clinical testing. Allele origin: germline.
Comment: This sequence change replaces serine, which is neutral and polar, with cysteine, which is neutral and slightly polar, at codon 496 of the FLCN protein (p.Ser496Cys). This variant is present in population databases (rs750535468, gnomAD 0.01%). This variant has not been reported in the literature in individuals affected with FLCN-related conditions. ClinVar contains an entry for this variant (Variation ID: 650061). Invitae Evidence Modeling of protein sequence and biophysical properties (such as structural, functional, and spatial information, amino acid conservation, physicochemical variation, residue mobility, and thermodynamic stability) indicates that this missense variant is not expected to disrupt FLCN protein function with a negative predictive value of 80%. In summary, the available evidence is currently insufficient to determine the role of this variant in disease. Therefore, it has been classified as a Variant of Uncertain Significance.

Baylor Genetics
Classification: Uncertain significance for Birt-Hogg-Dube syndrome 1. Last evaluated: 2024-01-26. Review status: criteria provided, single submitter. Criteria: ACMG Guidelines, 2015. Collection method: clinical testing. Allele origin: unknown.

Ambry Genetics
Classification: Benign for Hereditary cancer-predisposing syndrome. Last evaluated: 2022-11-08. Review status: criteria provided, single submitter. Criteria: Ambry Variant Classification Scheme 2023. Collection method: clinical testing. Allele origin: germline.

NM_144997.7(FLCN):c.1487C>G (p.Ser496Cys)

Gene: FLCN (folliculin; minus strand). Cytogenetic location: 17p11.2.
Variant type: single nucleotide variant.
Coding change: c.1487C>G on transcript NM_144997.7 (MANE Select); coding-DNA position 1487, C replaced by G.
Protein change: p.Ser496Cys; replaces serine 496 with cysteine.
Molecular consequence: missense variant.
Genome position (GRCh38, 1-based): chr17:17,215,036, G>C on the plus strand (C>G on the coding strand, the complement: FLCN is on the minus strand). VCF-style: chr17-17215036-G-C. GRCh37 (hg19) VCF-style: chr17-17118350-G-C.
Other names: c.1487C>G (LRG_325t1); c.1541C>G, p.Ser514Cys (NM_001353229.2); c.1487C>G, p.Ser496Cys (NM_001353230.2, NM_001353231.2); short protein forms S514C, S496C.
Identifiers: ClinVar variation 650061 (VCV000650061.15), dbSNP rs750535468, ClinGen allele CA8415955.